The following is an entry in ClinVar:

NM_003998.4(NFKB1):c.1316A>G (p.Glu439Gly)

Gene: NFKB1 (nuclear factor kappa B subunit 1; plus strand). Cytogenetic location: 4q24.
Variant type: single nucleotide variant.
Coding change: c.1316A>G on transcript NM_003998.4 (MANE Select); coding-DNA position 1316, A replaced by G.
Protein change: p.Glu439Gly; replaces glutamic acid 439 with glycine.
Molecular consequence: missense variant.
Genome position (GRCh38, 1-based): chr4:102,596,153, A>G. VCF-style: chr4-102596153-A-G. GRCh37 (hg19) VCF-style: chr4-103517310-A-G.
Other names: c.1313A>G, p.Glu438Gly (NM_001165412.2, NM_001319226.2, NM_001382627.1); c.1316A>G, p.Glu439Gly (NM_001382625.1, NM_001382626.1); c.1274A>G, p.Glu425Gly (NM_001382628.1); c.1316A>G (NM_003998.3); short protein forms E425G, E439G, E438G.
Identifiers: ClinVar variation 1392936 (VCV001392936.11), dbSNP rs2149206434, ClinGen allele CA357750832.
Genomic context (GRCh38, chr4:102,596,153, plus strand): 5'-ATACATTTTACTGAGAAAAATCTGATGTTTTTGCATTTATCTTAGGAACCATGGACACTG[A>G]ATCTAAAAAGGACCCTGAAGGTTGTGACAAAAGTGATGACAAAAACACTGTAAACCTCTT-3'
Protein context (NP_003989.2, residues 429-449): AGMKHGTMDT[Glu439Gly]SKKDPEGCDK

ClinVar aggregate classification (germline): Uncertain significance. Review status: criteria provided, multiple submitters, no conflicts (2 of 4 stars). 3 submissions from 3 submitters: Uncertain significance (3). Last evaluated 2025-07-15.

Conditions:
Immunodeficiency, common variable, 12 (CVID12). Also called: NFKB1 DEFICIENCY; IMMUNODEFICIENCY, COMMON VARIABLE, 12, WITH AUTOIMMUNITY. Identifiers: Orphanet 1572, Orphanet 696874, MedGen C4225277, MONDO:0014697, OMIM 616576.
Inborn genetic diseases. Identifiers: MedGen C0950123, MeSH D030342.

gnomAD v4.1: 3 of 1,597,280 alleles (0.00019%); highest among the groups gnomAD compares: South Asian, 0.0022%; no homozygotes.

Submissions (3):

Ambry Genetics
Classification: Uncertain significance for Inborn genetic diseases. Last evaluated: 2025-07-15. Review status: criteria provided, single submitter. Criteria: Ambry Variant Classification Scheme 2023. Collection method: clinical testing. Allele origin: germline.

Neuberg Centre For Genomic Medicine, NCGM
Classification: Uncertain significance for Immunodeficiency, common variable, 12. Last evaluated: 2024-02-01. Review status: criteria provided, single submitter. Criteria: ACMG Guidelines, 2015. Collection method: clinical testing. Allele origin: germline. Inheritance: Autosomal dominant inheritance.
Comment: The missense variant c.1316A>G(p.Glu439Gly) in NFKB1 gene has not been reported previously as a pathogenic variant nor as a benign variant, to our knowledge. The amino acid Glu at position 439 is changed to a Gly changing protein sequence and it might alter its composition and physico-chemical properties. For these reasons, this variant has been classified as Uncertain Significance

Labcorp Genetics (formerly Invitae), Labcorp
Classification: Uncertain significance. Last evaluated: 2022-09-01. Review status: criteria provided, single submitter. Criteria: Invitae Variant Classification Sherloc (09022015). Collection method: clinical testing. Allele origin: germline.
Comment: This sequence change replaces glutamic acid, which is acidic and polar, with glycine, which is neutral and non-polar, at codon 439 of the NFKB1 protein (p.Glu439Gly). This variant is not present in population databases (gnomAD no frequency). This variant has not been reported in the literature in individuals affected with NFKB1-related conditions. ClinVar contains an entry for this variant (Variation ID: 1392936). Algorithms developed to predict the effect of missense changes on protein structure and function (SIFT, PolyPhen-2, Align-GVGD) all suggest that this variant is likely to be tolerated. In summary, the available evidence is currently insufficient to determine the role of this variant in disease. Therefore, it has been classified as a Variant of Uncertain Significance.